The following is an entry in ClinVar:

NM_001378964.1(CDON):c.1157T>C (p.Ile386Thr)

Gene: CDON (cell adhesion associated, oncogene regulated; minus strand). Cytogenetic location: 11q24.2.
Variant type: single nucleotide variant.
Coding change: c.1157T>C on transcript NM_001378964.1 (MANE Select); coding-DNA position 1157, T replaced by C.
Protein change: p.Ile386Thr; replaces isoleucine 386 with threonine.
Molecular consequence: missense variant.
Genome position (GRCh38, 1-based): chr11:126,015,282, A>G on the plus strand (T>C on the coding strand, the complement: CDON is on the minus strand). VCF-style: chr11-126015282-A-G. GRCh37 (hg19) VCF-style: chr11-125885177-A-G.
Other names: c.1157T>C, p.Ile386Thr (NM_001243597.3, NM_016952.6); short protein forms I386T.
Identifiers: ClinVar variation 2214831 (VCV002214831.3), dbSNP rs761918589, ClinGen allele CA6352155.

ClinVar aggregate classification (germline): Uncertain significance (1 of 4 stars; one submission).

Conditions:
Inborn genetic diseases. Identifiers: MedGen C0950123, MeSH D030342.

Allele frequency attached by ClinVar (database versions not stated): gnomAD 0.00001; TOPMed 0.00001; gnomAD exomes 0.00001; ExAC 0.00001.
gnomAD v4.1: 11 of 1,613,992 alleles (0.00068%); highest among the groups gnomAD compares: South Asian, 0.0011%; no homozygotes.

Submission:

Ambry Genetics
Classification: Uncertain significance for Inborn genetic diseases. Last evaluated: 2026-05-14. Review status: criteria provided, single submitter. Criteria: Ambry Variant Classification Scheme 2023. Collection method: clinical testing. Allele origin: germline.
Comment: The c.1157T>C (p.I386T) alteration is located in exon 7 (coding exon 6) of the CDON gene. This alteration results from a T to C substitution at nucleotide position 1157, causing the isoleucine (I) at amino acid position 386 to be replaced by a threonine (T). Based on data from gnomAD, the C allele has an overall frequency of <0.001% (1/251360) total alleles studied. The highest observed frequency was 0.001% (1/113678) of European (non-Finnish) alleles. Based on insufficient or conflicting evidence, the clinical significance of this alteration remains unclear.